The following is an entry in ClinVar:

ClinVar aggregate classification (germline): Uncertain significance (1 of 4 stars; one submission).

Conditions:
Primary ciliary dyskinesia. Also called: Ciliary dyskinesia. Identifiers: Orphanet 244, MedGen C0008780, MONDO:0016575, HP:0012265.

Allele frequency attached by ClinVar (database versions not stated): gnomAD 0.00001; TOPMed 0.00001.
gnomAD v4.1: 3 of 1,613,732 alleles (0.00019%); highest among the groups gnomAD compares: South Asian, 0.0011%; no homozygotes.

Submission:

Labcorp Genetics (formerly Invitae), Labcorp
Classification: Uncertain significance for Primary ciliary dyskinesia. Last evaluated: 2022-03-14. Review status: criteria provided, single submitter. Criteria: Invitae Variant Classification Sherloc (09022015). Collection method: clinical testing. Allele origin: germline.
Comment: This sequence change replaces tyrosine, which is neutral and polar, with histidine, which is basic and polar, at codon 2951 of the DNAH8 protein (p.Tyr2951His). In summary, the available evidence is currently insufficient to determine the role of this variant in disease. Therefore, it has been classified as a Variant of Uncertain Significance. Algorithms developed to predict the effect of missense changes on protein structure and function are either unavailable or do not agree on the potential impact of this missense change (SIFT: "Deleterious"; PolyPhen-2: "Not Available"; Align-GVGD: "Class C65"). This variant has not been reported in the literature in individuals affected with DNAH8-related conditions. This variant is present in population databases (no rsID available, gnomAD 0.0009%).

NM_001206927.2(DNAH8):c.8851T>C (p.Tyr2951His)

Gene: DNAH8 (dynein axonemal heavy chain 8; plus strand). Cytogenetic location: 6p21.2.
Variant type: single nucleotide variant.
Coding change: c.8851T>C on transcript NM_001206927.2 (MANE Select); coding-DNA position 8851, T replaced by C.
Protein change: p.Tyr2951His; replaces tyrosine 2951 with histidine.
Molecular consequence: missense variant.
Genome position (GRCh38, 1-based): chr6:38,896,136, T>C. VCF-style: chr6-38896136-T-C. GRCh37 (hg19) VCF-style: chr6-38863912-T-C.
Other names: c.8200T>C, p.Tyr2734His (NM_001371.4); short protein forms Y2734H, Y2951H.
Identifiers: ClinVar variation 2086243 (VCV002086243.4), dbSNP rs1448270591, ClinGen allele CA363998506.